The following is an entry in ClinVar:

ClinVar aggregate classification (germline): Conflicting classifications of pathogenicity. Review status: criteria provided, conflicting classifications (1 of 4 stars). 2 submissions from 2 submitters: Uncertain significance (1); Likely benign (1). Last evaluated 2023-03-23.

Conditions:
Hereditary cancer-predisposing syndrome. Also called: Neoplastic Syndromes, Hereditary; Tumor predisposition; Hereditary Cancer Syndrome; Hereditary neoplastic syndrome. Identifiers: Orphanet 140162, MedGen C0027672, MeSH D009386, MONDO:0015356.

Allele frequency attached by ClinVar (database versions not stated): gnomAD exomes below 0.00001; TOPMed below 0.00001.
gnomAD v4.1: 1 of 1,614,088 alleles (0.000062%); highest among the groups gnomAD compares: Non-Finnish European, 0.000085%; no homozygotes.

Submissions (2):

University of Washington Department of Laboratory Medicine, University of Washington
Classification: Likely benign for Hereditary cancer-predisposing syndrome. Last evaluated: 2023-03-23. Review status: criteria provided, single submitter. Criteria: Dines et al. (Genet Med. 2020). Collection method: curation. Allele origin: germline.
Comment: Missense variant in a coldspot region where missense variants are very unlikely to be pathogenic (PMID:31911673).

BRCA1 coldspot (exon 11 using historical exon numbering). Reclassification based on statistical prior probability

Ambry Genetics
Classification: Uncertain significance for Hereditary cancer-predisposing syndrome. Last evaluated: 2021-11-24. Review status: criteria provided, single submitter. Criteria: Ambry Variant Classification Scheme 2023. Collection method: clinical testing. Allele origin: germline.
Comment: The p.P1190S variant (also known as c.3568C>T), located in coding exon 9 of the BRCA1 gene, results from a C to T substitution at nucleotide position 3568. The proline at codon 1190 is replaced by serine, an amino acid with similar properties. In one study, this alteration was not observed in 7,051 unselected female breast cancer patients but was observed in 1/11,241 female controls of Japanese ancestry (Momozawa Y et al. Nat Commun, 2018 10;9:4083). This amino acid position is well conserved in available vertebrate species. In addition, the in silico prediction for this alteration is inconclusive. Since supporting evidence is limited at this time, the clinical significance of this alteration remains unclear.

Literature cited by the submitters: PubMed 30287823 (cited by Ambry Genetics).

NM_007294.4(BRCA1):c.3568C>T (p.Pro1190Ser)

Genes: BRCA1 (BRCA1 DNA repair associated; minus strand), LOC126862571 (BRD4-independent group 4 enhancer GRCh37_chr17:41243136-41244335; plus strand). Cytogenetic location: 17q21.31.
Variant type: single nucleotide variant.
Coding change: c.3568C>T on transcript NM_007294.4 (MANE Select); coding-DNA position 3568, C replaced by T.
Protein change: p.Pro1190Ser; replaces proline 1190 with serine.
Molecular consequence: missense variant. On other transcripts: intron variant (135).
Genome position (GRCh38, 1-based): chr17:43,091,963, G>A on the plus strand (C>T on the coding strand, the complement: BRCA1 is on the minus strand). VCF-style: chr17-43091963-G-A. GRCh37 (hg19) VCF-style: chr17-41243980-G-A.
Other names: c.788-931C>T (NM_007298.4, NM_001407978.1, NM_001407980.1 and 17 more transcripts); c.3568C>T, p.Pro1190Ser (NM_001407621.1, NM_001407623.1, NM_001407624.1 and 30 more transcripts); c.3565C>T, p.Pro1189Ser (NM_001407627.1, NM_001407860.1, NM_001407861.1 and 22 more transcripts); c.785-931C>T (NM_001408400.1, NM_001408392.1, NM_001407986.1 and 13 more transcripts); c.644-931C>T (NM_001408462.1, NM_001408470.1, NM_001408464.1 and 3 more transcripts); c.710-931C>T (NM_001408414.1, NM_001408411.1, NM_001408412.1 and 2 more transcripts); c.578-931C>T (NM_001408514.1, NM_001408485.1, NM_001408481.1 and 9 more transcripts); c.662-931C>T (NM_001408447.1, NM_001408433.1, NM_001408446.1 and 6 more transcripts); and 41 more; short protein forms P1063S, P1102S, P1120S, P1164S, P1187S, P1189S, P1062S, P1078S.
Identifiers: ClinVar variation 1732756 (VCV001732756.4), dbSNP rs2053564906, ClinGen allele CA10594825.
Genomic context (GRCh38, chr17:43,091,963, plus strand): 5'-CTAATTTCTTGGCCCCTCTTCGGTAACCCTGAGCCAAATGTGTATGGGTGAAAGGGCTAG[G>A]ACTCCTGCTAAGCTCTCCTTTCTGGACGCTTTTGCTAAAAACAGCAGAACTTTCCTTAAT-3'
Protein context (NP_009225.1, residues 1180-1200): SVQKGELSRS[Pro1190Ser]SPFTHTHLAQ